The following is an entry in ClinVar:

ClinVar aggregate classification (germline): Uncertain significance (1 of 4 stars; one submission).

Submission:

GeneDx
Classification: Uncertain significance. Last evaluated: 2023-12-28. Review status: criteria provided, single submitter. Criteria: GeneDx Variant Classification Process June 2021. Collection method: clinical testing. Allele origin: germline. Affected: yes.
Comment: Has not been previously published as pathogenic or benign to our knowledge; Not observed at significant frequency in large population cohorts (gnomAD); In silico analysis supports that this missense variant does not alter protein structure/function

NM_025132.4(WDR19):c.3852G>A (p.Met1284Ile)

Gene: WDR19 (WD repeat domain 19; plus strand). Cytogenetic location: 4p14.
Variant type: single nucleotide variant.
Coding change: c.3852G>A on transcript NM_025132.4 (MANE Select); coding-DNA position 3852, G replaced by A.
Protein change: p.Met1284Ile; replaces methionine 1284 with isoleucine.
Molecular consequence: missense variant.
Genome position (GRCh38, 1-based): chr4:39,278,142, G>A. VCF-style: chr4-39278142-G-A. GRCh37 (hg19) VCF-style: chr4-39279762-G-A.
Other names: c.3372G>A, p.Met1124Ile (NM_001317924.2); short protein forms M1124I, M1284I.
Identifiers: ClinVar variation 3365906 (VCV003365906.1).